The following is an entry in ClinVar:

ClinVar aggregate classification (germline): Benign/Likely benign. Review status: criteria provided, multiple submitters, no conflicts (2 of 4 stars). 28 submissions from 21 submitters: Benign (15); Likely benign (8). 5 of the submissions do not count toward it. Last evaluated 2026-03-27.

Conditions:
Dilated cardiomyopathy 1G (CMD1G). Identifiers: Orphanet 154, MedGen C1858763, MONDO:0011400, OMIM 604145.
Autosomal recessive limb-girdle muscular dystrophy type 2J (LGMDR10). Also called: MUSCULAR DYSTROPHY, LIMB-GIRDLE, AUTOSOMAL RECESSIVE 10; Limb-girdle muscular dystrophy, type 2J. Identifiers: Orphanet 140922, MedGen C1837342, MONDO:0012127, OMIM 608807.
Cardiovascular phenotype. Identifiers: MedGen CN230736.
Cardiomyopathy (CMYO). Also called: Cardiomyopathies. Identifiers: Orphanet 167848, MedGen C0878544, MONDO:0004994, HP:0001638. Inheritance: Various modes of inheritance.
Early-onset myopathy with fatal cardiomyopathy (CMYO5). Also called: CONGENITAL MYOPATHY 5 WITH CARDIOMYOPATHY; Salih Myopathy. Identifiers: Orphanet 289377, MedGen C2673677, MONDO:0012714, OMIM 611705. Disease mechanism: loss of function.
Myopathy, myofibrillar, 9, with early respiratory failure (MFM9). Also called: Myopathy, distal, with early respiratory failure, autosomal dominant; Hereditary myopathy with early respiratory failure; MYOPATHY, PROXIMAL, WITH EARLY RESPIRATORY MUSCLE INVOLVEMENT; EDSTROM MYOPATHY. Identifiers: Orphanet 178464, Orphanet 34521, MedGen C1863599, MONDO:0011362, OMIM 603689.
Tibial muscular dystrophy (TMD). Also called: Udd Distal Myopathy – Tibial Muscular Dystrophy; Tibial muscular dystrophy, tardive; UDD MYOPATHY. Identifiers: Orphanet 609, MedGen C1838244, MONDO:0010870, OMIM 600334.

Allele frequency attached by ClinVar (database versions not stated): ESP Exome Variant Server 0.00025; gnomAD 0.00082 and 0.00099; TOPMed 0.00146; 1000 Genomes Project 0.00459; gnomAD exomes 0.00156; ExAC 0.00171; 1000 Genomes Project 30x 0.00390.
gnomAD v4.1: 880 of 1,611,768 alleles (0.055%); highest among the groups gnomAD compares: East Asian, 1.2%; 19 homozygotes.

Submissions (28):

Molecular Diagnostic Laboratory for Inherited Cardiovascular Disease, Montreal Heart Institute
Classification: Likely benign. Last evaluated: 2026-03-27. Review status: criteria provided, single submitter. Criteria: ACMG Guidelines, 2015. Collection method: clinical testing. Allele origin: germline. Affected: no.
Comment: BS1;BP1

Labcorp Genetics (formerly Invitae), Labcorp
Classification: Benign for Dilated cardiomyopathy 1G; Autosomal recessive limb-girdle muscular dystrophy type 2J. Last evaluated: 2026-02-03. Review status: criteria provided, single submitter. Criteria: Invitae Variant Classification Sherloc (09022015). Collection method: clinical testing. Allele origin: germline.

Mayo Clinic Laboratories, Mayo Clinic
Classification: Benign. Last evaluated: 2025-08-27. Review status: criteria provided, single submitter. Criteria: ACMG Guidelines, 2015. Collection method: clinical testing. Allele origin: germline. Observed: 10 variant alleles.
Comment: BS1, BS2, BP4_moderate

CeGaT Center for Human Genetics Tuebingen
Classification: Benign. Last evaluated: 2025-07-01. Review status: criteria provided, single submitter. Criteria: CeGaT Center For Human Genetics Tuebingen Variant Classification Criteria Version 2. Collection method: clinical testing. Allele origin: germline. Affected: yes. Observed: 2 variant alleles.
Comment: TTN: BP4, BS1, BS2

Blueprint Genetics
Classification: Likely benign. Last evaluated: 2024-11-20. Review status: criteria provided, single submitter. Criteria: ACMG Guidelines, 2015. Collection method: clinical testing. Allele origin: germline.

ARUP Laboratories, Molecular Genetics and Genomics, ARUP Laboratories
Classification: Benign. Last evaluated: 2024-07-25. Review status: criteria provided, single submitter. Criteria: ARUP Molecular Germline Variant Investigation Process 2024. Collection method: clinical testing. Allele origin: germline.

Women's Health and Genetics/Laboratory Corporation of America, LabCorp
Classification: Likely benign. Last evaluated: 2023-01-21. Review status: criteria provided, single submitter. Criteria: LabCorp Variant Classification Summary - May 2015. Collection method: clinical testing. Allele origin: germline.

Genome-Nilou Lab
Classification: Benign for Autosomal recessive limb-girdle muscular dystrophy type 2J. Last evaluated: 2021-09-10. Review status: criteria provided, single submitter. Criteria: ACMG Guidelines, 2015. Collection method: clinical testing. Allele origin: germline. Affected: no.

Genome-Nilou Lab
Classification: Benign for Myopathy, myofibrillar, 9, with early respiratory failure. Last evaluated: 2021-09-10. Review status: criteria provided, single submitter. Criteria: ACMG Guidelines, 2015. Collection method: clinical testing. Allele origin: germline. Affected: no.

Genome-Nilou Lab
Classification: Benign for Early-onset myopathy with fatal cardiomyopathy. Last evaluated: 2021-09-10. Review status: criteria provided, single submitter. Criteria: ACMG Guidelines, 2015. Collection method: clinical testing. Allele origin: germline. Affected: no.

Genome-Nilou Lab
Classification: Benign for Tibial muscular dystrophy. Last evaluated: 2021-09-10. Review status: criteria provided, single submitter. Criteria: ACMG Guidelines, 2015. Collection method: clinical testing. Allele origin: germline. Affected: no.

Athena Diagnostics
Classification: Benign. Last evaluated: 2018-04-10. Review status: criteria provided, single submitter. Criteria: Athena Diagnostics Criteria. Collection method: clinical testing. Allele origin: germline.

Illumina Laboratory Services, Illumina
Classification: Benign for Tibial muscular dystrophy. Last evaluated: 2018-01-12. Review status: criteria provided, single submitter. Criteria: ICSL Variant Classification Criteria 13 December 2019. Collection method: clinical testing. Allele origin: germline.
Comment: This variant was observed in the ICSL laboratory as part of a predisposition screen in an ostensibly healthy population. It had not been previously curated by ICSL or reported in the Human Gene Mutation Database (HGMD: prior to June 1st, 2018), and was therefore a candidate for classification through an automated scoring system. Utilizing variant allele frequency, disease prevalence and penetrance estimates, and inheritance mode, an automated score was calculated to assess if this variant is too frequent to cause the disease. Based on the score and internal cut-off values, a variant classified as benign is not then subjected to further curation. The score for this variant resulted in a classification of benign for this disease.

Illumina Laboratory Services, Illumina
Classification: Benign for Myopathy, myofibrillar, 9, with early respiratory failure. Last evaluated: 2018-01-12. Review status: criteria provided, single submitter. Criteria: ICSL Variant Classification Criteria 13 December 2019. Collection method: clinical testing. Allele origin: germline.
Comment: the same text as in the submission from Illumina Laboratory Services, Illumina above.

Illumina Laboratory Services, Illumina
Classification: Likely benign for Early-onset myopathy with fatal cardiomyopathy. Last evaluated: 2018-01-12. Review status: criteria provided, single submitter. Criteria: ICSL Variant Classification Criteria 13 December 2019. Collection method: clinical testing. Allele origin: germline.
Comment: This variant was observed in the ICSL laboratory as part of a predisposition screen in an ostensibly healthy population. It had not been previously curated by ICSL or reported in the Human Gene Mutation Database (HGMD: prior to June 1st, 2018), and was therefore a candidate for classification through an automated scoring system. Utilizing variant allele frequency, disease prevalence and penetrance estimates, and inheritance mode, an automated score was calculated to assess if this variant is too frequent to cause the disease. Based on the score and internal cut-off values, a variant classified as likely benign is not then subjected to further curation. The score for this variant resulted in a classification of likely benign for this disease.

Illumina Laboratory Services, Illumina
Classification: Likely benign for Autosomal recessive limb-girdle muscular dystrophy type 2J. Last evaluated: 2018-01-12. Review status: criteria provided, single submitter. Criteria: ICSL Variant Classification Criteria 13 December 2019. Collection method: clinical testing. Allele origin: germline.
Comment: the same text as in the submission from Illumina Laboratory Services, Illumina above.

Illumina Laboratory Services, Illumina
Classification: Likely benign for Dilated cardiomyopathy 1G. Last evaluated: 2018-01-12. Review status: criteria provided, single submitter. Criteria: ICSL Variant Classification Criteria 13 December 2019. Collection method: clinical testing. Allele origin: germline.
Comment: the same text as in the submission from Illumina Laboratory Services, Illumina above.

CHEO Genetics Diagnostic Laboratory, Children's Hospital of Eastern Ontario
Classification: Benign for Cardiomyopathy. Last evaluated: 2017-03-02. Review status: criteria provided, single submitter. Criteria: ACMG Guidelines, 2015. Collection method: clinical testing. Allele origin: germline. Study: Canadian Open Genetics Repository.

Laboratory for Molecular Medicine, Mass General Brigham Personalized Medicine
Classification: Benign. Last evaluated: 2015-03-21. Review status: criteria provided, single submitter. Criteria: LMM Criteria. Collection method: clinical testing. Allele origin: germline. Observed: 14 variant alleles.
Comment: p.Val8466Ile in exon 98 of TTN: This variant is not expected to have clinical si gnificance because it has been identified in 2.2% (160/7230) of East Asian chrom osomes by the Exome Aggregation Consortium (ExAC ; dbSNP rs72649002).

Eurofins Ntd Llc (ga)
Classification: Benign. Last evaluated: 2013-11-26. Review status: criteria provided, single submitter. Criteria: EGL Classification Definitions 2015. Collection method: clinical testing. Allele origin: germline. Observed: 2 variant alleles, 2 heterozygotes.

Biesecker Lab/Clinical Genomics Section, National Institutes of Health
Classification: Likely benign. Last evaluated: 2013-06-24. Review status: criteria provided, single submitter. Criteria: Ng et al. (Circ Cardiovasc Genet. 2013). Collection method: research. Allele origin: unknown. Observed: 3 variant alleles. Study: ClinSeq.
Comment: The study set was not selected for affection status in relation to any cancer. Pathogenicity categories were based on literature curation. See Pubmed ID:23861362 for details.

Medical sequencing

Ambry Genetics
Classification: Likely benign for Cardiovascular phenotype. Last evaluated: 2013-05-05. Review status: criteria provided, single submitter. Criteria: Ambry Autosomal Dominant and X-Linked criteria (10/2015). Collection method: clinical testing. Allele origin: germline. Observed: 1 variant allele.

GeneDx
Classification: Benign. Last evaluated: 2013-04-05. Review status: criteria provided, single submitter. Criteria: GeneDx Variant Classification (06012015). Collection method: clinical testing. Allele origin: germline. Affected: yes.
Comment: This variant is considered likely benign or benign based on one or more of the following criteria: it is a conservative change, it occurs at a poorly conserved position in the protein, it is predicted to be benign by multiple in silico algorithms, and/or has population frequency not consistent with disease.

Clinical Genetics DNA and cytogenetics Diagnostics Lab, Erasmus MC, Erasmus Medical Center
Classification: Benign. Review status: no assertion criteria provided. Collection method: clinical testing. Allele origin: germline. Affected: yes. Study: VKGL Data-share Consensus. Not counted in ClinVar's aggregate classification.

Clinical Genetics, Academic Medical Center
Classification: Benign. Review status: no assertion criteria provided. Collection method: clinical testing. Allele origin: germline. Affected: yes. Study: VKGL Data-share Consensus. Not counted in ClinVar's aggregate classification.

Diagnostic Laboratory, Department of Genetics, University Medical Center Groningen
Classification: Likely benign. Review status: no assertion criteria provided. Collection method: clinical testing. Allele origin: germline. Affected: yes. Study: VKGL Data-share Consensus. Not counted in ClinVar's aggregate classification.

Joint Genome Diagnostic Labs from Nijmegen and Maastricht, Radboudumc and MUMC+
Classification: Benign. Review status: no assertion criteria provided. Collection method: clinical testing. Allele origin: germline. Affected: yes. Study: VKGL Data-share Consensus. Not counted in ClinVar's aggregate classification.

Laboratory of Diagnostic Genome Analysis, Leiden University Medical Center (LUMC)
Classification: Likely benign. Review status: no assertion criteria provided. Collection method: clinical testing. Allele origin: germline. Affected: yes. Study: VKGL Data-share Consensus. Not counted in ClinVar's aggregate classification.

NM_001267550.2(TTN):c.29128G>A (p.Val9710Ile)

Gene: TTN (titin; minus strand). Cytogenetic location: 2q31.2.
Variant type: single nucleotide variant.
Coding change: c.29128G>A on transcript NM_001267550.2 (MANE Select); coding-DNA position 29128, G replaced by A.
Protein change: p.Val9710Ile; replaces valine 9710 with isoleucine.
Molecular consequence: missense variant. On other transcripts: intron variant (3).
Genome position (GRCh38, 1-based): chr2:178,706,868, C>T on the plus strand (G>A on the coding strand, the complement: TTN is on the minus strand). VCF-style: chr2-178706868-C-T. GRCh37 (hg19) VCF-style: chr2-179571595-C-T.
Other names: p.V9393I:GTA>ATA; p.Val9393Ile; c.28177G>A, p.Val9393Ile (NM_001256850.1); c.25396G>A, p.Val8466Ile (NM_133378.4); c.13282+31214G>A (NM_003319.4); c.13858+31214G>A (NM_133437.4); c.13657+31214G>A (NM_133432.3); short protein forms V9710I, V8466I, V9393I.
Identifiers: ClinVar variation 46817 (VCV000046817.96), dbSNP rs72649002, ClinGen allele CA232491.